The following is an entry in ClinVar:

NM_172364.5(CACNA2D4):c.3353C>T (p.Ser1118Leu)

Gene: CACNA2D4 (calcium voltage-gated channel auxiliary subunit alpha2delta 4; minus strand). Cytogenetic location: 12p13.33.
Variant type: single nucleotide variant.
Coding change: c.3353C>T on transcript NM_172364.5 (MANE Select); coding-DNA position 3353, C replaced by T.
Protein change: p.Ser1118Leu; replaces serine 1118 with leucine.
Molecular consequence: missense variant.
Genome position (GRCh38, 1-based): chr12:1,793,716, G>A on the plus strand (C>T on the coding strand, the complement: CACNA2D4 is on the minus strand). VCF-style: chr12-1793716-G-A. GRCh37 (hg19) VCF-style: chr12-1902882-G-A.
Other names: c.3353C>T (NM_172364.4); short protein forms S1118L.
Identifiers: ClinVar variation 2162525 (VCV002162525.6), dbSNP rs763299099, ClinGen allele CA6385936.

ClinVar aggregate classification (germline): Uncertain significance. Review status: criteria provided, multiple submitters, no conflicts (2 of 4 stars). 3 submissions from 3 submitters: Uncertain significance (3). Last evaluated 2025-10-27.

Conditions:
Inborn genetic diseases. Identifiers: MedGen C0950123, MeSH D030342.

Allele frequency attached by ClinVar (database versions not stated): gnomAD exomes 0.00001; ExAC 0.00002; TOPMed 0.00003; gnomAD 0.00004.
gnomAD v4.1: 24 of 1,613,410 alleles (0.0015%); highest among the groups gnomAD compares: African/African-American, 0.008%; no homozygotes.

Submissions (3):

Labcorp Genetics (formerly Invitae), Labcorp
Classification: Uncertain significance. Last evaluated: 2025-10-27. Review status: criteria provided, single submitter. Criteria: Invitae Variant Classification Sherloc (09022015). Collection method: clinical testing. Allele origin: germline.
Comment: This sequence change replaces serine, which is neutral and polar, with leucine, which is neutral and non-polar, at codon 1118 of the CACNA2D4 protein (p.Ser1118Leu). This variant is present in population databases (rs763299099, gnomAD 0.01%). This variant has not been reported in the literature in individuals affected with CACNA2D4-related conditions. ClinVar contains an entry for this variant (Variation ID: 2162525). An algorithm developed to predict the effect of missense changes on protein structure and function (PolyPhen-2) suggests that this variant is likely to be tolerated. In summary, the available evidence is currently insufficient to determine the role of this variant in disease. Therefore, it has been classified as a Variant of Uncertain Significance.

Ambry Genetics
Classification: Uncertain significance for Inborn genetic diseases. Last evaluated: 2025-04-24. Review status: criteria provided, single submitter. Criteria: Ambry Variant Classification Scheme 2023. Collection method: clinical testing. Allele origin: germline.

Blueprint Genetics
Classification: Uncertain significance. Last evaluated: 2023-07-13. Review status: criteria provided, single submitter. Criteria: ACMG Guidelines, 2015. Collection method: clinical testing. Allele origin: germline.